The following is an entry in ClinVar:

ClinVar aggregate classification (germline): Pathogenic (1 of 4 stars; one submission).

Conditions:
Baller-Gerold syndrome (BGS). Also called: CRANIOSYNOSTOSIS WITH RADIAL DEFECTS. Identifiers: Orphanet 1225, MedGen C0265308, MONDO:0009039, OMIM 218600.

gnomAD v4.1: 3 of 1,574,360 alleles (0.00019%); highest among the groups gnomAD compares: African/African-American, 0.0013%; no homozygotes.

Submission:

Labcorp Genetics (formerly Invitae), Labcorp
Classification: Pathogenic for Baller-Gerold syndrome. Last evaluated: 2022-09-27. Review status: criteria provided, single submitter. Criteria: Invitae Variant Classification Sherloc (09022015). Collection method: clinical testing. Allele origin: germline.
Comment: For these reasons, this variant has been classified as Pathogenic. This sequence change creates a premature translational stop signal (p.Tyr706*) in the RECQL4 gene. It is expected to result in an absent or disrupted protein product. Loss-of-function variants in RECQL4 are known to be pathogenic (PMID: 12734318, 12952869). The frequency data for this variant in the population databases is considered unreliable, as metrics indicate poor data quality at this position in the gnomAD database. This variant has not been reported in the literature in individuals affected with RECQL4-related conditions. ClinVar contains an entry for this variant (Variation ID: 1452653). Algorithms developed to predict the effect of sequence changes on RNA splicing suggest that this variant may disrupt the consensus splice site.

Literature cited by the submitters: PubMed 12734318; PubMed 12952869.

NM_004260.4(RECQL4):c.2118C>G (p.Tyr706Ter)

Gene: RECQL4 (RecQ like helicase 4; minus strand). Cytogenetic location: 8q24.3.
Variant type: single nucleotide variant.
Coding change: c.2118C>G on transcript NM_004260.4 (MANE Select); coding-DNA position 2118, C replaced by G.
Protein change: p.Tyr706Ter; replaces tyrosine 706 with a stop codon.
Molecular consequence: nonsense.
Genome position (GRCh38, 1-based): chr8:144,513,653, G>C on the plus strand (C>G on the coding strand, the complement: RECQL4 is on the minus strand). VCF-style: chr8-144513653-G-C. GRCh37 (hg19) VCF-style: chr8-145739037-G-C.
Other names: short protein forms Y706*.
Identifiers: ClinVar variation 1452653 (VCV001452653.6), dbSNP rs574326650, ClinGen allele CA372679872.